The following is an entry in ClinVar:

NM_001365951.3(KIF1B):c.3514-3del

Gene: KIF1B (kinesin family member 1B; plus strand). Cytogenetic location: 1p36.22.
Variant type: Deletion.
Coding change: c.3514-3del on transcript NM_001365951.3 (MANE Select); 3 bases into the intron before coding-DNA position 3514, one base deleted (T; older notation c.3514-3delT).
Molecular consequence: intron variant.
Genome position (GRCh38, 1-based): chr1:10,342,047, T deleted; the last of 3 consecutive T bases (chr1:10,342,045-10,342,047); deleting any one gives the same sequence. VCF-style (leftmost placement, unchanged base first): chr1-10342044-CT-C. GRCh37 (hg19) VCF-style: chr1-10402102-CT-C.
Other names: c.3376-3delT (NM_015074.3); c.3376-3del (NM_015074.3); c.3514-3del (NM_001365952.1).
Identifiers: ClinVar variation 3226454 (VCV003226454.3), dbSNP rs1652416372, ClinGen allele CA1153185740.

ClinVar aggregate classification (germline): Uncertain significance. Review status: criteria provided, multiple submitters, no conflicts (2 of 4 stars). 2 submissions from 2 submitters: Uncertain significance (2). Last evaluated 2025-07-10.

Submissions (2):

Dasa
Classification: Uncertain significance. Last evaluated: 2025-07-10. Review status: criteria provided, single submitter. Criteria: DASA Assertion Criteria. Collection method: clinical testing. Allele origin: germline.
Comment: NM_001365951.3(KIF1B):c.3514-3del is a splice-region variant. This variant is rare in population databases. Computational prediction algorithms are consistent with a benign effect. The currently available literature and clinical evidence are not sufficient to establish a definitive association between this variant and the reported condition. Therefore, this variant is classified as a variant of uncertain significance.

Ambry Genetics
Classification: Uncertain significance. Last evaluated: 2023-11-20. Review status: criteria provided, single submitter. Criteria: Ambry Variant Classification Scheme 2023. Collection method: clinical testing. Allele origin: germline.
Comment: The c.3376-3delT intronic variant, located in intron 29 of the KIF1B gene, results from a deletion of one nucleotide within intron 29 of the KIF1B gene. This nucleotide position is poorly conserved in available vertebrate species. In silico splice site analysis predicts that this alteration will not have any significant effect on splicing. The evidence for this gene-disease relationship is limited; therefore, the clinical significance of this alteration is unclear.